The following is an entry in ClinVar:

ClinVar aggregate classification (germline): Uncertain significance. Review status: criteria provided, single submitter (1 of 4 stars). 2 submissions from 2 submitters: Uncertain significance (1). 1 of the submissions does not count toward it. Last evaluated 2026-01-12.

Conditions:
NTRK2-related disorder. Also called: NTRK2-related condition.

Allele frequency attached by ClinVar (database versions not stated): TOPMed 0.00001; gnomAD exomes 0.00002 and 0.00005; ExAC 0.00005.
gnomAD v4.1: 12 of 1,578,368 alleles (0.00076%); highest among the groups gnomAD compares: Admixed American, 0.021%; no homozygotes.

Submissions (2):

Labcorp Genetics (formerly Invitae), Labcorp
Classification: Uncertain significance. Last evaluated: 2026-01-12. Review status: criteria provided, single submitter. Criteria: Invitae Variant Classification Sherloc (09022015). Collection method: clinical testing. Allele origin: germline.
Comment: This sequence change falls in intron 4 of the NTRK2 gene. It does not directly change the encoded amino acid sequence of the NTRK2 protein. It affects a nucleotide within the consensus splice site. This variant is present in population databases (rs763206550, gnomAD 0.04%), and has an allele count higher than expected for a pathogenic variant. This variant has not been reported in the literature in individuals affected with NTRK2-related conditions. ClinVar contains an entry for this variant (Variation ID: 1448570). Variants that disrupt the consensus splice site are a relatively common cause of aberrant splicing (PMID: 17576681, 9536098). Algorithms developed to predict the effect of sequence changes on RNA splicing suggest that this variant is not likely to affect RNA splicing. In summary, the available evidence is currently insufficient to determine the role of this variant in disease. Therefore, it has been classified as a Variant of Uncertain Significance.

PreventionGenetics, part of Exact Sciences
Classification: Likely benign for NTRK2-related condition. Last evaluated: 2022-02-02. Review status: no assertion criteria provided. Collection method: clinical testing. Allele origin: germline. Not counted in ClinVar's aggregate classification.
Comment: This variant is classified as likely benign based on ACMG/AMP sequence variant interpretation guidelines (Richards et al. 2015 PMID: 25741868, with internal and published modifications).

Literature cited by the submitters: PubMed 17576681 (cited by Labcorp Genetics (formerly Invitae), Labcorp); PubMed 9536098 (cited by Labcorp Genetics (formerly Invitae), Labcorp).

NM_006180.6(NTRK2):c.212+3G>A

Gene: NTRK2 (neurotrophic receptor tyrosine kinase 2; plus strand). Cytogenetic location: 9q21.33.
Variant type: single nucleotide variant.
Coding change: c.212+3G>A on transcript NM_006180.6 (MANE Select); 3 bases into the intron after coding-DNA position 212, G replaced by A.
Molecular consequence: intron variant.
Genome position (GRCh38, 1-based): chr9:84,670,963, G>A. VCF-style: chr9-84670963-G-A. GRCh37 (hg19) VCF-style: chr9-87285878-G-A.
Other names: c.212+3G>A (NM_001369532.1, NM_001369533.1, NM_001018066.3 and 19 more transcripts).
Identifiers: ClinVar variation 1448570 (VCV001448570.7), dbSNP rs763206550, ClinGen allele CA5105424.